The following is an entry in ClinVar:

ClinVar aggregate classification (germline): Pathogenic (1 of 4 stars; one submission).

Conditions:
Primary ciliary dyskinesia. Also called: Ciliary dyskinesia. Identifiers: Orphanet 244, MedGen C0008780, MONDO:0016575, HP:0012265.

Submission:

Labcorp Genetics (formerly Invitae), Labcorp
Classification: Pathogenic for Primary ciliary dyskinesia. Last evaluated: 2024-01-07. Review status: criteria provided, single submitter. Criteria: Invitae Variant Classification Sherloc (09022015). Collection method: clinical testing. Allele origin: unknown.
Comment: This variant is a gross deletion of the genomic region encompassing exon(s) 4-5 of the RPGR gene. This variant would be expected to be in-frame, preserving the integrity of the reading frame. This variant has not been reported in the literature in individuals affected with RPGR-related conditions. This variant disrupts a region of the RPGR protein in which other variant(s) (p.Arg127Gly) have been determined to be pathogenic (PMID: 10937588, 11992260). This suggests that this is a clinically significant region of the protein, and that variants that disrupt it are likely to be disease-causing. For these reasons, this variant has been classified as Pathogenic.

Literature cited by the submitters: PubMed 10937588; PubMed 11992260.

NC_000023.10:g.(?_38178062)_(38180362_?)del

Gene: RPGR (retinitis pigmentosa GTPase regulator; minus strand). Cytogenetic location: Xp11.4.
Variant type: Deletion.
Identifiers: ClinVar variation 3245899 (VCV003245899.1).